The following is an entry in ClinVar:

ClinVar aggregate classification (germline): Uncertain significance (1 of 4 stars; one submission).

Conditions:
Alpha thalassemia-X-linked intellectual disability syndrome (ATRX). Also called: ALPHA-THALASSEMIA/MENTAL RETARDATION SYNDROME, X-LINKED; ATR, NONDELETION TYPE; ALPHA-THALASSEMIA/IMPAIRED INTELLECTUAL DEVELOPMENT SYNDROME, X-LINKED; X-linked alpha-thalassemia-mental retardation syndrome; ATR-X syndrome; Alpha thalassemia mental retardation syndrome, nondeletion type, X-linked. Identifiers: Orphanet 847, MedGen C1845055, MONDO:0010519, OMIM 301040.

Submission:

Labcorp Genetics (formerly Invitae), Labcorp
Classification: Uncertain significance for Alpha thalassemia-X-linked intellectual disability syndrome. Last evaluated: 2022-07-12. Review status: criteria provided, single submitter. Criteria: Invitae Variant Classification Sherloc (09022015). Collection method: clinical testing. Allele origin: germline.
Comment: This variant is not present in population databases (gnomAD no frequency). This variant has not been reported in the literature in individuals affected with ATRX-related conditions. ClinVar contains an entry for this variant (Variation ID: 580083). Algorithms developed to predict the effect of missense changes on protein structure and function are either unavailable or do not agree on the potential impact of this missense change (SIFT: "Deleterious"; PolyPhen-2: "Benign"; Align-GVGD: "Class C0"). In summary, the available evidence is currently insufficient to determine the role of this variant in disease. Therefore, it has been classified as a Variant of Uncertain Significance. This sequence change replaces aspartic acid, which is acidic and polar, with glutamic acid, which is acidic and polar, at codon 2326 of the ATRX protein (p.Asp2326Glu).

NM_000489.6(ATRX):c.6978C>A (p.Asp2326Glu)

Gene: ATRX (ATRX chromatin remodeler; minus strand). Cytogenetic location: Xq21.1.
Variant type: single nucleotide variant.
Coding change: c.6978C>A on transcript NM_000489.6 (MANE Select); coding-DNA position 6978, C replaced by A.
Protein change: p.Asp2326Glu; replaces aspartic acid 2326 with glutamic acid.
Molecular consequence: missense variant.
Genome position (GRCh38, 1-based): chrX:77,521,496, G>T on the plus strand (C>A on the coding strand, the complement: ATRX is on the minus strand). VCF-style: chrX-77521496-G-T. GRCh37 (hg19) VCF-style: chrX-76776974-G-T.
Other names: c.6864C>A, p.Asp2288Glu (NM_138270.5); short protein forms D2326E, D2288E.
Identifiers: ClinVar variation 580083 (VCV000580083.9), dbSNP rs1569515631, ClinGen allele CA413708141.